The following is an entry in ClinVar:

ClinVar aggregate classification (germline): Benign (1 of 4 stars; one submission).

Conditions:
Cataract 14 multiple types. Also called: CATARACT 14, ZONULAR PULVERULENT; CATARACT 14, NUCLEAR PULVERULENT; CATARACT 14, NUCLEAR PULVERULENT AND POSTERIOR POLAR; CATARACT 14, NUCLEAR CORALLIFORM; CATARACT 14, EMBRYONAL NUCLEAR; CATARACT 14, COPPOCK-LIKE. Identifiers: Orphanet 91492, MedGen C1866078, MONDO:0011162, OMIM 601885.

Allele frequency attached by ClinVar (database versions not stated): gnomAD 0.00044 and 0.00046; TOPMed 0.00049; 1000 Genomes Project 30x 0.00094; 1000 Genomes Project 0.00060.

Submission:

Illumina Laboratory Services, Illumina
Classification: Benign for Cataract 14 multiple types. Last evaluated: 2018-01-13. Review status: criteria provided, single submitter. Criteria: ICSL Variant Classification Criteria 13 December 2019. Collection method: clinical testing. Allele origin: germline.
Comment: This variant was observed in the ICSL laboratory as part of a predisposition screen in an ostensibly healthy population. It had not been previously curated by ICSL or reported in the Human Gene Mutation Database (HGMD: prior to June 1st, 2018), and was therefore a candidate for classification through an automated scoring system. Utilizing variant allele frequency, disease prevalence and penetrance estimates, and inheritance mode, an automated score was calculated to assess if this variant is too frequent to cause the disease. Based on the score and internal cut-off values, a variant classified as benign is not then subjected to further curation. The score for this variant resulted in a classification of benign for this disease.

NM_021954.4(GJA3):c.*491T>A

Gene: GJA3 (gap junction protein alpha 3; minus strand). Cytogenetic location: 13q12.11.
Variant type: single nucleotide variant.
Coding change: c.*491T>A on transcript NM_021954.4 (MANE Select); 491 bases downstream of the stop codon, T replaced by A.
Molecular consequence: 3 prime UTR variant.
Genome position (GRCh38, 1-based): chr13:20,141,490, A>T on the plus strand (T>A on the coding strand, the complement: GJA3 is on the minus strand). VCF-style: chr13-20141490-A-T. GRCh37 (hg19) VCF-style: chr13-20715629-A-T.
Identifiers: ClinVar variation 311323 (VCV000311323.5), dbSNP rs563280044, ClinGen allele CA10642960.